The following is an entry in ClinVar:

ClinVar aggregate classification (germline): Benign/Likely benign. Review status: criteria provided, multiple submitters, no conflicts (2 of 4 stars). 8 submissions from 8 submitters: Benign (3); Likely benign (4). 1 of the submissions does not count toward it. Last evaluated 2026-02-01.

Conditions:
TUBA1A-related disorder. Also called: TUBA1A-related condition.

Allele frequency attached by ClinVar (database versions not stated): 1000 Genomes Project 30x 0.00031; ESP Exome Variant Server 0.00038; 1000 Genomes Project 0.00040; TOPMed 0.00056; gnomAD exomes 0.00069 and 0.00089; ExAC 0.00071; gnomAD 0.00078 and 0.00084.
gnomAD v4.1: 1,165 of 1,613,994 alleles (0.072%); highest among the groups gnomAD compares: Middle Eastern, 3.5%; 15 homozygotes.

Submissions (8):

CeGaT Center for Human Genetics Tuebingen
Classification: Likely benign. Last evaluated: 2026-02-01. Review status: criteria provided, single submitter. Criteria: CeGaT Center For Human Genetics Tuebingen Variant Classification Criteria Version 2. Collection method: clinical testing. Allele origin: germline. Affected: yes. Observed: 2 variant alleles.
Comment: TUBA1A: PP2, BP4, BS1

Labcorp Genetics (formerly Invitae), Labcorp
Classification: Benign. Last evaluated: 2026-01-26. Review status: criteria provided, single submitter. Criteria: Invitae Variant Classification Sherloc (09022015). Collection method: clinical testing. Allele origin: germline.

Blueprint Genetics
Classification: Likely benign. Last evaluated: 2024-11-25. Review status: criteria provided, single submitter. Criteria: ACMG Guidelines, 2015. Collection method: clinical testing. Allele origin: germline.

GeneDx
Classification: Likely benign. Last evaluated: 2018-03-28. Review status: criteria provided, single submitter. Criteria: GeneDx Variant Classification Process June 2021. Collection method: clinical testing. Allele origin: germline. Affected: yes.

Athena Diagnostics
Classification: Benign. Last evaluated: 2018-02-14. Review status: criteria provided, single submitter. Criteria: Athena Diagnostics Criteria. Collection method: clinical testing. Allele origin: germline.

Genetic Services Laboratory, University of Chicago
Classification: Benign. Last evaluated: 2015-08-23. Review status: criteria provided, single submitter. Criteria: ACMG Guidelines, 2015. Collection method: clinical testing. Allele origin: germline. Affected: no.

Breakthrough Genomics
Classification: Likely benign. Review status: criteria provided, single submitter. Criteria: ACMG Guidelines, 2015. Collection method: not provided. Allele origin: germline. Inheritance: Autosomal dominant inheritance. Affected: yes.

PreventionGenetics, part of Exact Sciences
Classification: Likely benign for TUBA1A-related condition. Last evaluated: 2020-03-12. Review status: no assertion criteria provided. Collection method: clinical testing. Allele origin: germline. Not counted in ClinVar's aggregate classification.
Comment: This variant is classified as likely benign based on ACMG/AMP sequence variant interpretation guidelines (Richards et al. 2015 PMID: 25741868, with internal and published modifications).

NM_006009.4(TUBA1A):c.226+10C>T

Gene: TUBA1A (tubulin alpha 1a; minus strand). Cytogenetic location: 12q13.12.
Variant type: single nucleotide variant.
Coding change: c.226+10C>T on transcript NM_006009.4 (MANE Select); 10 bases into the intron after coding-DNA position 226, C replaced by T.
Molecular consequence: intron variant.
Genome position (GRCh38, 1-based): chr12:49,186,601, G>A on the plus strand (C>T on the coding strand, the complement: TUBA1A is on the minus strand). VCF-style: chr12-49186601-G-A. GRCh37 (hg19) VCF-style: chr12-49580384-G-A.
Other names: c.121+10C>T (NM_001270400.2); c.226+10C>T (NM_001270399.2).
Identifiers: ClinVar variation 160152 (VCV000160152.44), dbSNP rs199717430, ClinGen allele CA173749.